The following is an entry in ClinVar:

ClinVar aggregate classification (germline): Likely pathogenic (1 of 4 stars; one submission).

Conditions:
TWIST1-related craniosynostosis (CRS1). Also called: CRANIOSYNOSTOSIS 1. Identifiers: Orphanet 63440, MedGen C4551902, MONDO:0007399, OMIM 123100. Inheritance: Heterogenous inheritance pattern.
Saethre-Chotzen syndrome (SCS). Also called: ACROCEPHALY, SKULL ASYMMETRY, AND MILD SYNDACTYLY; ACS III; CHOTZEN SYNDROME. Identifiers: Orphanet 794, MedGen C0175699, MONDO:0007042, OMIM 101400.

Submission:

Labcorp Genetics (formerly Invitae), Labcorp
Classification: Likely pathogenic for TWIST1-related craniosynostosis; Saethre-Chotzen syndrome. Last evaluated: 2022-09-27. Review status: criteria provided, single submitter. Criteria: Invitae Variant Classification Sherloc (09022015). Collection method: clinical testing. Allele origin: germline.
Comment: In summary, the currently available evidence indicates that the variant is pathogenic, but additional data are needed to prove that conclusively. Therefore, this variant has been classified as Likely Pathogenic. Algorithms developed to predict the effect of missense changes on protein structure and function are either unavailable or do not agree on the potential impact of this missense change (SIFT: "Deleterious"; PolyPhen-2: "Probably Damaging"; Align-GVGD: "Class C0"). ClinVar contains an entry for this variant (Variation ID: 1474659). This missense change has been observed in individuals with Saethre-Chotzen syndrome (PMID: 11748846, 16251895, 20643727). This variant is not present in population databases (gnomAD no frequency). This sequence change replaces phenylalanine, which is neutral and non-polar, with leucine, which is neutral and non-polar, at codon 158 of the TWIST1 protein (p.Phe158Leu).

Literature cited by the submitters: PubMed 11748846; PubMed 16251895; PubMed 20643727.

NM_000474.4(TWIST1):c.474C>G (p.Phe158Leu)

Genes: TWIST1 (twist family bHLH transcription factor 1; minus strand), LOC129998021 (ATAC-STARR-seq lymphoblastoid active region 25682; plus strand). Cytogenetic location: 7p21.1.
Variant type: single nucleotide variant.
Coding change: c.474C>G on transcript NM_000474.4 (MANE Select); coding-DNA position 474, C replaced by G.
Protein change: p.Phe158Leu; replaces phenylalanine 158 with leucine.
Molecular consequence: missense variant. On other transcripts: non-coding transcript variant (1).
Genome position (GRCh38, 1-based): chr7:19,116,848, G>C on the plus strand (C>G on the coding strand, the complement: TWIST1 is on the minus strand). VCF-style: chr7-19116848-G-C. GRCh37 (hg19) VCF-style: chr7-19156471-G-C.
Other names: short protein forms F158L.
Identifiers: ClinVar variation 1474659 (VCV001474659.8), dbSNP rs2115396572, ClinGen allele CA367015358.
Genomic context (GRCh38, chr7:19,116,848, plus strand): 5'-CACATAGCTGCAGCTTGCCATCTTGGAGTCCAGCTCGTCGCTCTGGAGGACCTGGTAGAG[G>C]AAGTCGATGTACCTGGCCGCCAGCTTGAGGGTCTGAATCTTGCTCAGCTTGTCCGAGGGC-3'
Protein context (NP_000465.1, residues 148-168): TLKLAARYID[Phe158Leu]LYQVLQSDEL